The following is an entry in ClinVar:

ClinVar aggregate classification (germline): Pathogenic/Likely pathogenic. Review status: criteria provided, multiple submitters, no conflicts (2 of 4 stars). 5 submissions from 5 submitters: Pathogenic (3); Likely pathogenic (1). 1 of the submissions does not count toward it. Last evaluated 2026-05-05.

Conditions:
Retinitis pigmentosa 49 (RP49). Identifiers: Orphanet 791, MedGen C3151059, MONDO:0013405, OMIM 613756.
CNGA1-related disorder. Also called: CNGA1-related condition.

Allele frequency attached by ClinVar (database versions not stated): gnomAD exomes below 0.00001 and 0.00001; TOPMed 0.00002; gnomAD 0.00003 and 0.00004.
gnomAD v4.1: 15 of 1,612,066 alleles (0.00093%); highest among the groups gnomAD compares: African/African-American, 0.004%; no homozygotes.

Submissions (5):

GeneDx
Classification: Likely pathogenic. Last evaluated: 2026-05-05. Review status: criteria provided, single submitter. Criteria: GeneDx Variant Classification Process June 2021. Collection method: clinical testing. Allele origin: germline.
Comment: Nonsense variant predicted to result in protein truncation or nonsense mediated decay in a gene for which loss of function is a known mechanism of disease; This variant is associated with the following publications: (PMID: 32967234, 24154662, 37446072)

Labcorp Genetics (formerly Invitae), Labcorp
Classification: Pathogenic. Last evaluated: 2025-12-22. Review status: criteria provided, single submitter. Criteria: Invitae Variant Classification Sherloc (09022015). Collection method: clinical testing. Allele origin: germline.
Comment: This sequence change creates a premature translational stop signal (p.Cys39*) in the CNGA1 gene. It is expected to result in an absent or disrupted protein product. Loss-of-function variants in CNGA1 are known to be pathogenic (PMID: 7479749, 25268133). This variant is present in population databases (no rsID available, gnomAD 0.004%). This premature translational stop signal has been observed in individual(s) with retinitis pigmentosa (PMID: 24154662). ClinVar contains an entry for this variant (Variation ID: 866975). For these reasons, this variant has been classified as Pathogenic.

Fulgent Genetics
Classification: Pathogenic for Retinitis pigmentosa 49. Last evaluated: 2024-03-13. Review status: criteria provided, single submitter. Criteria: ACMG Guidelines, 2015. Collection method: clinical testing. Allele origin: germline.

Blueprint Genetics
Classification: Pathogenic for CNGA1-related disorders. Last evaluated: 2022-05-13. Review status: criteria provided, single submitter. Criteria: ACMG Guidelines, 2015. Collection method: clinical testing. Allele origin: germline. Affected: yes. Observed: 5 variant alleles.

PreventionGenetics, part of Exact Sciences
Classification: Pathogenic for CNGA1-related condition. Last evaluated: 2024-08-21. Review status: no assertion criteria provided. Collection method: clinical testing. Allele origin: germline. Not counted in ClinVar's aggregate classification.
Comment: The CNGA1 c.117C>A variant is predicted to result in premature protein termination (p.Cys39*). This variant has been reported with a second CNGA1 variant in an individual with retinitis pigmentosa (Wang et al. 2013. PubMed ID: 24154662). This variant is reported in 0.0041% of alleles in individuals of African descent in gnomAD. Nonsense variants in CNGA1 are an established mechanism of disease. This variant is interpreted as pathogenic.

Literature cited by the submitters: PubMed 7479749 (cited by Labcorp Genetics (formerly Invitae), Labcorp); PubMed 25268133 (cited by Labcorp Genetics (formerly Invitae), Labcorp); PubMed 24154662 (cited by Labcorp Genetics (formerly Invitae), Labcorp).

NM_001379270.1(CNGA1):c.105C>A (p.Cys35Ter)

Genes: CNGA1 (cyclic nucleotide gated channel subunit alpha 1; minus strand), LOC101927157 (uncharacterized LOC101927157; plus strand). Cytogenetic location: 4p12.
Variant type: single nucleotide variant.
Coding change: c.105C>A on transcript NM_001379270.1 (MANE Select); coding-DNA position 105, C replaced by A.
Protein change: p.Cys35Ter; replaces cysteine 35 with a stop codon.
Molecular consequence: nonsense.
Genome position (GRCh38, 1-based): chr4:47,952,585, G>T on the plus strand (C>A on the coding strand, the complement: CNGA1 is on the minus strand). VCF-style: chr4-47952585-G-T. GRCh37 (hg19) VCF-style: chr4-47954602-G-T.
Other names: c.105C>A, p.Cys35Ter (NM_000087.5, NM_001142564.2); short protein forms C35*.
Identifiers: ClinVar variation 866975 (VCV000866975.9), dbSNP rs1237954156, ClinGen allele CA356836484.